The following is an entry in ClinVar:

NM_004839.4(HOMER2):c.113A>G (p.Tyr38Cys)

Gene: HOMER2 (homer scaffold protein 2; minus strand). Cytogenetic location: 15q25.2.
Variant type: single nucleotide variant.
Coding change: c.113A>G on transcript NM_004839.4 (MANE Select); coding-DNA position 113, A replaced by G.
Protein change: p.Tyr38Cys; replaces tyrosine 38 with cysteine.
Molecular consequence: missense variant.
Genome position (GRCh38, 1-based): chr15:82,892,734, T>C on the plus strand (A>G on the coding strand, the complement: HOMER2 is on the minus strand). VCF-style: chr15-82892734-T-C. GRCh37 (hg19) VCF-style: chr15-83561486-T-C.
Other names: c.113A>G, p.Tyr38Cys (NM_199330.3); short protein forms Y38C.
Identifiers: ClinVar variation 4887919 (VCV004887919.1).
Genomic context (GRCh38, chr15:82,892,734, plus strand): 5'-GGGGGTGGTACCTTGGCTCCGTCCACACTGATGATCCGATAGCTGTTCCTTGTGACATCA[T>C]AGAAGTAGGAAACGGTGACCGCCTGCTTGCTCGCAGGCATCCAGTTCTTCTTGGTGTTGG-3'
Protein context (NP_004830.2, residues 28-48): SKQAVTVSYF[Tyr38Cys]DVTRNSYRII

ClinVar aggregate classification (germline): Uncertain significance (1 of 4 stars; one submission).

gnomAD v4.1: 46 of 1,604,924 alleles (0.0029%); highest among the groups gnomAD compares: African/African-American, 0.028%; no homozygotes.

Submission:

GeneDx
Classification: Uncertain significance. Last evaluated: 2024-09-10. Review status: criteria provided, single submitter. Criteria: GeneDx Variant Classification Process June 2021. Collection method: clinical testing. Allele origin: germline.
Comment: In silico analysis supports that this missense variant has a deleterious effect on protein structure/function; Has not been previously published as pathogenic or benign to our knowledge; Variants in candidate genes are classified as variants of uncertain significance in accordance with ACMG guidelines (Richards et al., 2015)